The following is an entry in ClinVar:

ClinVar aggregate classification (germline): Uncertain significance (1 of 4 stars; one submission).

Conditions:
Osteogenesis imperfecta type 7 (OI7). Also called: OSTEOGENESIS IMPERFECTA, TYPE IIB; Osteogenesis imperfecta type 2B; OI type 2B; Osteogenesis imperfecta, perinatal lethal autosomal recessive; OI type IIB; OI type 7. Identifiers: MedGen C1853162, MONDO:0012536, OMIM 610682.

Submission:

Centre for Mendelian Genomics, University Medical Centre Ljubljana
Classification: Uncertain significance for Osteogenesis imperfecta type 7. Last evaluated: 2019-11-13. Review status: criteria provided, single submitter. Criteria: ACMG Guidelines, 2015. Collection method: clinical testing. Allele origin: unknown. Affected: yes.
Comment: This variant was classified as: Uncertain significance. The available evidence on this variant's pathogenicity is insufficient or conflicting. The following ACMG criteria were applied in classifying this variant: PM2,PP3.

NM_006371.5(CRTAP):c.988G>A (p.Val330Ile)

Gene: CRTAP (cartilage associated protein; plus strand). Cytogenetic location: 3p22.3.
Variant type: single nucleotide variant.
Coding change: c.988G>A on transcript NM_006371.5 (MANE Select); coding-DNA position 988, G replaced by A.
Protein change: p.Val330Ile; replaces valine 330 with isoleucine.
Molecular consequence: missense variant.
Genome position (GRCh38, 1-based): chr3:33,132,620, G>A. VCF-style: chr3-33132620-G-A. GRCh37 (hg19) VCF-style: chr3-33174112-G-A.
Other names: short protein forms V330I.
Identifiers: ClinVar variation 930788 (VCV000930788.3), dbSNP rs2030300085, ClinGen allele CA351997588.